The following is an entry in ClinVar:

NM_005883.3(APC2):c.4572G>T (p.Thr1524=)

Gene: APC2 (APC regulator of Wnt signaling pathway 2; plus strand). Cytogenetic location: 19p13.3.
Variant type: single nucleotide variant.
Coding change: c.4572G>T on transcript NM_005883.3 (MANE Select); coding-DNA position 4572, G replaced by T.
Protein change: p.Thr1524=; no amino-acid change (threonine 1524 retained).
Molecular consequence: synonymous variant.
Genome position (GRCh38, 1-based): chr19:1,467,873, G>T. VCF-style: chr19-1467873-G-T. GRCh37 (hg19) VCF-style: chr19-1467872-G-T.
Other names: c.4569G>T, p.Thr1523= (NM_001351273.1).
Identifiers: ClinVar variation 2648929 (VCV002648929.24), dbSNP rs1204228457, ClinGen allele CA504897817.

ClinVar aggregate classification (germline): Likely benign (1 of 4 stars; one submission).

Allele frequency attached by ClinVar (database versions not stated): gnomAD 0.00001.
gnomAD v4.1: 6 of 1,569,398 alleles (0.00038%); highest among the groups gnomAD compares: Non-Finnish European, 0.00043%; no homozygotes.

Submission:

CeGaT Center for Human Genetics Tuebingen
Classification: Likely benign. Last evaluated: 2022-04-01. Review status: criteria provided, single submitter. Criteria: CeGaT Center For Human Genetics Tuebingen Variant Classification Criteria Version 2. Collection method: clinical testing. Allele origin: germline. Affected: yes. Observed: 1 variant allele.
Comment: APC2: BP4, BP7